The following is an entry in ClinVar:

ClinVar aggregate classification (germline): Uncertain significance. Review status: criteria provided, multiple submitters, no conflicts (2 of 4 stars). 2 submissions from 2 submitters: Uncertain significance (2). Last evaluated 2024-01-18.

Conditions:
Inborn genetic diseases. Identifiers: MedGen C0950123, MeSH D030342.

Allele frequency attached by ClinVar (database versions not stated): gnomAD exomes below 0.00001; TOPMed below 0.00001.
gnomAD v4.1: 1 of 1,613,182 alleles (0.000062%); highest among the groups gnomAD compares: Non-Finnish European, 0.000085%; no homozygotes.

Submissions (2):

Labcorp Genetics (formerly Invitae), Labcorp
Classification: Uncertain significance. Last evaluated: 2024-01-18. Review status: criteria provided, single submitter. Criteria: Invitae Variant Classification Sherloc (09022015). Collection method: clinical testing. Allele origin: germline.
Comment: This sequence change replaces leucine, which is neutral and non-polar, with arginine, which is basic and polar, at codon 1901 of the ATR protein (p.Leu1901Arg). This variant is not present in population databases (gnomAD no frequency). This variant has not been reported in the literature in individuals affected with ATR-related conditions. ClinVar contains an entry for this variant (Variation ID: 1749184). An algorithm developed to predict the effect of missense changes on protein structure and function (PolyPhen-2) suggests that this variant is likely to be disruptive. In summary, the available evidence is currently insufficient to determine the role of this variant in disease. Therefore, it has been classified as a Variant of Uncertain Significance.

Ambry Genetics
Classification: Uncertain significance for Inborn genetic diseases. Last evaluated: 2022-10-28. Review status: criteria provided, single submitter. Criteria: Ambry Variant Classification Scheme 2023. Collection method: clinical testing. Allele origin: germline.
Comment: The p.L1901R variant (also known as c.5702T>G), located in coding exon 33 of the ATR gene, results from a T to G substitution at nucleotide position 5702. The leucine at codon 1901 is replaced by arginine, an amino acid with dissimilar properties. This amino acid position is conserved. In addition, this alteration is predicted to be deleterious by in silico analysis. Since supporting evidence is limited at this time, the clinical significance of this alteration remains unclear.

NM_001184.4(ATR):c.5702T>G (p.Leu1901Arg)

Gene: ATR (ATR checkpoint kinase; minus strand). Cytogenetic location: 3q23.
Variant type: single nucleotide variant.
Coding change: c.5702T>G on transcript NM_001184.4 (MANE Select); coding-DNA position 5702, T replaced by G.
Protein change: p.Leu1901Arg; replaces leucine 1901 with arginine.
Molecular consequence: missense variant.
Genome position (GRCh38, 1-based): chr3:142,497,049, A>C on the plus strand (T>G on the coding strand, the complement: ATR is on the minus strand). VCF-style: chr3-142497049-A-C. GRCh37 (hg19) VCF-style: chr3-142215891-A-C.
Other names: c.5510T>G, p.Leu1837Arg (NM_001354579.2); short protein forms L1837R, L1901R.
Identifiers: ClinVar variation 1749184 (VCV001749184.5), dbSNP rs2031689810, ClinGen allele CA354814486.
Genomic context (GRCh38, chr3:142,497,049, plus strand): 5'-TTTAAAAAAAGTAGTGTGAGAAACCTTTTGTTGAGGCTTAGTAAAGCCCTCCGGAGAGCC[A>C]GGATAGGCTCCTTGGCTCTGTAGGAATTCTGGGTCATTTCTAGTCGAGCTACCCAGTTTA-3'
Protein context (NP_001175.2, residues 1891-1911): QNSYRAKEPI[Leu1901Arg]ALRRALLSLN